The following is an entry in ClinVar:

NM_004863.4(SPTLC2):c.857A>G (p.Gln286Arg)

Gene: SPTLC2 (serine palmitoyltransferase long chain base subunit 2; minus strand). Cytogenetic location: 14q24.3.
Variant type: single nucleotide variant.
Coding change: c.857A>G on transcript NM_004863.4 (MANE Select); coding-DNA position 857, A replaced by G.
Protein change: p.Gln286Arg; replaces glutamine 286 with arginine.
Molecular consequence: missense variant.
Genome position (GRCh38, 1-based): chr14:77,557,140, T>C on the plus strand (A>G on the coding strand, the complement: SPTLC2 is on the minus strand). VCF-style: chr14-77557140-T-C. GRCh37 (hg19) VCF-style: chr14-78023483-T-C.
Other names: short protein forms Q286R.
Identifiers: ClinVar variation 1026699 (VCV001026699.8), dbSNP rs2079588620, ClinGen allele CA390709987.

ClinVar aggregate classification (germline): Uncertain significance (1 of 4 stars; one submission).

Conditions:
Neuropathy, hereditary sensory and autonomic, type 1C. Also called: HSAN IC; HSN IC. Identifiers: Orphanet 36386, MedGen C3150896, MONDO:0013337, OMIM 613640.

Submission:

Labcorp Genetics (formerly Invitae), Labcorp
Classification: Uncertain significance for Neuropathy, hereditary sensory and autonomic, type 1C. Last evaluated: 2020-08-11. Review status: criteria provided, single submitter. Criteria: Invitae Variant Classification Sherloc (09022015). Collection method: clinical testing. Allele origin: germline.
Comment: This sequence change replaces glutamine with arginine at codon 286 of the SPTLC2 protein (p.Gln286Arg). The glutamine residue is moderately conserved and there is a small physicochemical difference between glutamine and arginine. This variant is not present in population databases (ExAC no frequency). This variant has not been reported in the literature in individuals with SPTLC2-related conditions. Algorithms developed to predict the effect of missense changes on protein structure and function (SIFT, PolyPhen-2, Align-GVGD) all suggest that this variant is likely to be tolerated, but these predictions have not been confirmed by published functional studies and their clinical significance is uncertain. In summary, the available evidence is currently insufficient to determine the role of this variant in disease. Therefore, it has been classified as a Variant of Uncertain Significance.